The following is an entry in ClinVar:

ClinVar aggregate classification (germline): Benign (1 of 4 stars; one submission).

Conditions:
Hereditary spastic paraplegia 8 (SPG8). Also called: SPASTIC PARAPLEGIA 8, AUTOSOMAL DOMINANT. Identifiers: Orphanet 100989, MedGen C1863704, MONDO:0011339, OMIM 603563.

Allele frequency attached by ClinVar (database versions not stated): TOPMed 0.00086; 1000 Genomes Project 0.00160; 1000 Genomes Project 30x 0.00187.
gnomAD v4.1: 147 of 152,504 alleles (0.096%); highest among the groups gnomAD compares: African/African-American, 0.33%; no homozygotes.

Submission:

Illumina Laboratory Services, Illumina
Classification: Benign for Hereditary spastic paraplegia 8. Last evaluated: 2018-01-12. Review status: criteria provided, single submitter. Criteria: ICSL Variant Classification Criteria 13 December 2019. Collection method: clinical testing. Allele origin: germline.
Comment: This variant was observed in the ICSL laboratory as part of a predisposition screen in an ostensibly healthy population. It had not been previously curated by ICSL or reported in the Human Gene Mutation Database (HGMD: prior to June 1st, 2018), and was therefore a candidate for classification through an automated scoring system. Utilizing variant allele frequency, disease prevalence and penetrance estimates, and inheritance mode, an automated score was calculated to assess if this variant is too frequent to cause the disease. Based on the score and internal cut-off values, a variant classified as benign is not then subjected to further curation. The score for this variant resulted in a classification of benign for this disease.

NM_014846.4(WASHC5):c.-241G>A

Gene: WASHC5 (WASH complex subunit 5; minus strand). Cytogenetic location: 8q24.13.
Variant type: single nucleotide variant.
Coding change: c.-241G>A on transcript NM_014846.4 (MANE Select); 241 bases upstream of the start codon, G replaced by A.
Molecular consequence: 5 prime UTR variant.
Genome position (GRCh38, 1-based): chr8:125,091,731, C>T on the plus strand (G>A on the coding strand, the complement: WASHC5 is on the minus strand). VCF-style: chr8-125091731-C-T. GRCh37 (hg19) VCF-style: chr8-126103973-C-T.
Other names: c.-375G>A (NM_001330609.2).
Identifiers: ClinVar variation 361742 (VCV000361742.5), dbSNP rs563795659, ClinGen allele CA10630168.